The following is an entry in ClinVar:

NM_001377142.1(PLCB4):c.3203A>G (p.Asn1068Ser)

Gene: PLCB4 (phospholipase C beta 4; plus strand). Cytogenetic location: 20p12.2.
Variant type: single nucleotide variant.
Coding change: c.3203A>G on transcript NM_001377142.1 (MANE Select); coding-DNA position 3203, A replaced by G.
Protein change: p.Asn1068Ser; replaces asparagine 1068 with serine.
Molecular consequence: missense variant.
Genome position (GRCh38, 1-based): chr20:9,459,765, A>G. VCF-style: chr20-9459765-A-G. GRCh37 (hg19) VCF-style: chr20-9440412-A-G.
Other names: c.3167A>G, p.Asn1056Ser (NM_000933.4, NM_001377134.2, NM_001377135.1 and 2 more transcripts); c.3203A>G, p.Asn1068Ser (NM_001172646.2, NM_001377143.1); short protein forms N1056S, N1068S.
Identifiers: ClinVar variation 897771 (VCV000897771.6), dbSNP rs763122670, ClinGen allele CA9761614.
Genomic context (GRCh38, chr20:9,459,765, plus strand): 5'-AAGAAATCCGAGACCTGCACCTCAGCCAGCAGTGTGAGCTGCTGAAAAAGCTACTCATCA[A>G]TGCCCACGAGCAGCAAACCCAGCAGCTGAAACTGTCCCATGACAGGTGGGGGAATTGCCG-3'
Protein context (NP_001364071.1, residues 1058-1078): QCELLKKLLI[Asn1068Ser]AHEQQTQQLK

ClinVar aggregate classification (germline): Benign/Likely benign. Review status: criteria provided, multiple submitters, no conflicts (2 of 4 stars). 2 submissions from 2 submitters: Benign (1); Likely benign (1). Last evaluated 2023-05-03.

Conditions:
Auriculocondylar syndrome 2 (ARCND2A). Also called: AURICULOCONDYLAR SYNDROME 2A. Identifiers: Orphanet 137888, MedGen C3553404, MONDO:0013845, OMIM 614669.
Inborn genetic diseases. Identifiers: MedGen C0950123, MeSH D030342.

Allele frequency attached by ClinVar (database versions not stated): TOPMed below 0.00001; gnomAD exomes 0.00001; ExAC 0.00002.
gnomAD v4.1: 6 of 1,613,242 alleles (0.00037%); highest among the groups gnomAD compares: East Asian, 0.011%; no homozygotes.

Submissions (2):

Ambry Genetics
Classification: Likely benign for Inborn genetic diseases. Last evaluated: 2023-05-03. Review status: criteria provided, single submitter. Criteria: Ambry Variant Classification Scheme 2023. Collection method: clinical testing. Allele origin: germline.

Illumina Laboratory Services, Illumina
Classification: Benign for Auriculocondylar syndrome 2. Last evaluated: 2018-01-12. Review status: criteria provided, single submitter. Criteria: ICSL Variant Classification Criteria 13 December 2019. Collection method: clinical testing. Allele origin: germline.
Comment: This variant was observed in the ICSL laboratory as part of a predisposition screen in an ostensibly healthy population. It had not been previously curated by ICSL or reported in the Human Gene Mutation Database (HGMD: prior to June 1st, 2018), and was therefore a candidate for classification through an automated scoring system. Utilizing variant allele frequency, disease prevalence and penetrance estimates, and inheritance mode, an automated score was calculated to assess if this variant is too frequent to cause the disease. Based on the score and internal cut-off values, a variant classified as benign is not then subjected to further curation. The score for this variant resulted in a classification of benign for this disease.